The following is an entry in ClinVar:

NM_207352.4(CYP4V2):c.*2399C>T

Genes: CYP4V2 (cytochrome P450 family 4 subfamily V member 2; plus strand), KLKB1 (kallikrein B1; plus strand). Cytogenetic location: 4q35.2.
Variant type: single nucleotide variant.
Coding change: c.*2399C>T on transcript NM_207352.4 (MANE Select); 2399 bases downstream of the stop codon, C replaced by T.
Molecular consequence: 3 prime UTR variant.
Genome position (GRCh38, 1-based): chr4:186,213,040, C>T. VCF-style: chr4-186213040-C-T. GRCh37 (hg19) VCF-style: chr4-187134194-C-T.
Identifiers: ClinVar variation 348364 (VCV000348364.9), dbSNP rs56413992, ClinGen allele CA10620725.

ClinVar aggregate classification (germline): Benign. Review status: criteria provided, multiple submitters, no conflicts (2 of 4 stars). 4 submissions from 3 submitters: Benign (4). Last evaluated 2021-05-11.

Conditions:
Corneal dystrophy. Identifiers: Orphanet 34533, MedGen C0010036, MONDO:0018102, HP:0001131.
Bietti crystalline corneoretinal dystrophy (BCD). Also called: Bietti Crystalline Dystrophy; BIETTI TAPETORETINAL DEGENERATION WITH MARGINAL CORNEAL DYSTROPHY. Identifiers: Orphanet 41751, MedGen C1859486, MONDO:0008865, OMIM 210370.

Allele frequency attached by ClinVar (database versions not stated): gnomAD 0.15611 and 0.15680; TOPMed 0.16497; 1000 Genomes Project 30x 0.13710; 1000 Genomes Project 0.13738.

Submissions (4):

GeneDx
Classification: Benign. Last evaluated: 2021-05-11. Review status: criteria provided, single submitter. Criteria: GeneDx Variant Classification Process June 2021. Collection method: clinical testing. Allele origin: germline. Affected: yes.

Illumina Laboratory Services, Illumina
Classification: Benign for Bietti crystalline corneoretinal dystrophy. Last evaluated: 2018-01-13. Review status: criteria provided, single submitter. Criteria: ICSL Variant Classification Criteria 13 December 2019. Collection method: clinical testing. Allele origin: germline.
Comment: This variant was observed in the ICSL laboratory as part of a predisposition screen in an ostensibly healthy population. It had not been previously curated by ICSL or reported in the Human Gene Mutation Database (HGMD: prior to June 1st, 2018), and was therefore a candidate for classification through an automated scoring system. Utilizing variant allele frequency, disease prevalence and penetrance estimates, and inheritance mode, an automated score was calculated to assess if this variant is too frequent to cause the disease. Based on the score and internal cut-off values, a variant classified as benign is not then subjected to further curation. The score for this variant resulted in a classification of benign for this disease.

Illumina Laboratory Services, Illumina
Classification: Benign for Corneal dystrophy. Last evaluated: 2018-01-13. Review status: criteria provided, single submitter. Criteria: ICSL Variant Classification Criteria 13 December 2019. Collection method: clinical testing. Allele origin: germline.
Comment: the same text as in the submission from Illumina Laboratory Services, Illumina above.

Breakthrough Genomics
Classification: Benign. Review status: criteria provided, single submitter. Criteria: ACMG Guidelines, 2015. Collection method: not provided. Allele origin: germline. Inheritance: Autosomal recessive inheritance. Affected: yes.